The following is an entry in ClinVar:

NM_203446.3(SYNJ1):c.*611C>T

Gene: SYNJ1 (synaptojanin 1; minus strand). Cytogenetic location: 21q22.11.
Variant type: single nucleotide variant.
Coding change: c.*611C>T on transcript NM_203446.3 (MANE Select); 611 bases downstream of the stop codon, C replaced by T.
Molecular consequence: 3 prime UTR variant. On other transcripts: missense variant (2).
Genome position (GRCh38, 1-based): chr21:32,631,194, G>A on the plus strand (C>T on the coding strand, the complement: SYNJ1 is on the minus strand). VCF-style: chr21-32631194-G-A. GRCh37 (hg19) VCF-style: chr21-34003504-G-A.
Other names: p.Pro1547Leu; c.*611C>T (NM_001160302.2); c.4382C>T, p.Pro1461Leu (NM_001160306.2); c.4640C>T, p.Pro1547Leu (NM_003895.4); short protein forms P1547L, P1461L.
Identifiers: ClinVar variation 478360 (VCV000478360.18), dbSNP rs76056543, ClinGen allele CA10003077.

ClinVar aggregate classification (germline): Benign/Likely benign. Review status: criteria provided, multiple submitters, no conflicts (2 of 4 stars). 6 submissions from 6 submitters: Benign (4); Likely benign (2). Last evaluated 2026-02-03.

Conditions:
Developmental and epileptic encephalopathy, 53. Also called: Epileptic encephalopathy, early infantile, 53. Identifiers: MedGen C4479313, MONDO:0033362, OMIM 617389.
Early-onset Parkinson disease 20. Also called: PARKINSON DISEASE 20, AUTOSOMAL RECESSIVE EARLY-ONSET. Identifiers: Orphanet 391411, MedGen C3809824, MONDO:0014233, OMIM 615530.

Allele frequency attached by ClinVar (database versions not stated): gnomAD exomes 0.00055 and 0.00158; ExAC 0.00180; 1000 Genomes Project 0.00559; gnomAD 0.00564 and 0.00609; 1000 Genomes Project 30x 0.00609; TOPMed 0.00645; ESP Exome Variant Server 0.00661.
gnomAD v4.1: 1,690 of 1,614,146 alleles (0.1%); highest among the groups gnomAD compares: African/African-American, 2%; 15 homozygotes.

Submissions (6):

Labcorp Genetics (formerly Invitae), Labcorp
Classification: Benign for Developmental and epileptic encephalopathy, 53; Early-onset Parkinson disease 20. Last evaluated: 2026-02-03. Review status: criteria provided, single submitter. Criteria: Invitae Variant Classification Sherloc (09022015). Collection method: clinical testing. Allele origin: germline.

Mayo Clinic Laboratories, Mayo Clinic
Classification: Benign. Last evaluated: 2024-11-01. Review status: criteria provided, single submitter. Criteria: ACMG Guidelines, 2015. Collection method: clinical testing. Allele origin: germline. Observed: 1 variant allele.
Comment: BS1, BS2, BP4

ARUP Laboratories, Molecular Genetics and Genomics, ARUP Laboratories
Classification: Benign. Last evaluated: 2024-09-17. Review status: criteria provided, single submitter. Criteria: ARUP Molecular Germline Variant Investigation Process 2024. Collection method: clinical testing. Allele origin: germline.

GeneDx
Classification: Likely benign. Last evaluated: 2019-09-17. Review status: criteria provided, single submitter. Criteria: GeneDx Variant Classification Process June 2021. Collection method: clinical testing. Allele origin: germline. Affected: yes.

Athena Diagnostics
Classification: Benign. Last evaluated: 2018-06-14. Review status: criteria provided, single submitter. Criteria: Athena Diagnostics Criteria. Collection method: clinical testing. Allele origin: germline.

Breakthrough Genomics
Classification: Likely benign. Review status: criteria provided, single submitter. Criteria: ACMG Guidelines, 2015. Collection method: not provided. Allele origin: germline. Inheritance: Autosomal recessive inheritance. Affected: yes.